The following is an entry in ClinVar:

ClinVar aggregate classification (germline): Uncertain significance (0 of 4 stars; one submission).

Submission:

Department of Pathology and Laboratory Medicine, Sinai Health System
Classification: Uncertain significance. Review status: no assertion criteria provided. Collection method: clinical testing. Allele origin: unknown. Affected: yes. Study: The Canadian Open Genetics Repository (COGR).
Comment: The BRCA1 p.His1511Arg variant was not identified in the literature nor was it identified in the dbSNP, ClinVar, LOVD 3.0, or UMD-LSDB databases. The variant was not identified in the following control databases: the Exome Aggregation Consortium (August 8th 2016), or the Genome Aggregation Database (Feb 27, 2017). The p.His1511 residue is not conserved in mammals and computational analyses (PolyPhen-2, SIFT, AlignGVGD, BLOSUM, MutationTaster) do not suggest a high likelihood of impact to the protein; however, this information is not predictive enough to rule out pathogenicity. The variant occurs outside of the splicing consensus sequence and in silico or computational prediction software programs (SpliceSiteFinder, MaxEntScan, NNSPLICE, GeneSplicer) do not predict a difference in splicing. In summary, based on the above information the clinical significance of this variant cannot be determined with certainty at this time. This variant is classified as a variant of uncertain significance.

NM_007294.4(BRCA1):c.4532A>G (p.His1511Arg)

Gene: BRCA1 (BRCA1 DNA repair associated; minus strand). Cytogenetic location: 17q21.31.
Variant type: single nucleotide variant.
Coding change: c.4532A>G on transcript NM_007294.4 (MANE Select); coding-DNA position 4532, A replaced by G.
Protein change: p.His1511Arg; replaces histidine 1511 with arginine.
Molecular consequence: missense variant. On other transcripts: non-coding transcript variant (1).
Genome position (GRCh38, 1-based): chr17:43,074,474, T>C on the plus strand (A>G on the coding strand, the complement: BRCA1 is on the minus strand). VCF-style: chr17-43074474-T-C. GRCh37 (hg19) VCF-style: chr17-41226491-T-C.
Other names: c.4385A>G, p.His1462Arg (NM_001407841.1, NM_001407842.1, NM_001407843.1 and 12 more transcripts); c.4532A>G, p.His1511Arg (NM_001407854.1, NM_001407593.1, NM_001407594.1 and 8 more transcripts); c.4529A>G, p.His1510Arg (NM_001407858.1, NM_001407859.1, NM_001407860.1 and 17 more transcripts); c.4526A>G, p.His1509Arg (NM_001407861.1, NM_001407627.1, NM_001407628.1 and 14 more transcripts); c.4331A>G, p.His1444Arg (NM_001407862.1); c.4406A>G, p.His1469Arg (NM_001407863.1, NM_001407939.1, NM_001407940.1 and 11 more transcripts); c.4325A>G, p.His1442Arg (NM_001407874.1, NM_001407875.1); c.4322A>G, p.His1441Arg (NM_001407879.1, NM_001407881.1, NM_001407882.1 and 5 more transcripts); and 68 more; short protein forms H1464R, H1511R, H1532R, H407R, H1398R, H1422R, H1462R, H1469R.
Identifiers: ClinVar variation 1049065 (VCV001049065.2), dbSNP rs1555582004, ClinGen allele CA10592454.